The following is an entry in ClinVar:

ClinVar aggregate classification (germline): Uncertain significance (1 of 4 stars; one submission).

gnomAD v4.1: 2 of 1,613,826 alleles (0.00012%); highest among the groups gnomAD compares: Non-Finnish European, 0.00017%; no homozygotes.

Submission:

Labcorp Genetics (formerly Invitae), Labcorp
Classification: Uncertain significance. Last evaluated: 2025-07-13. Review status: criteria provided, single submitter. Criteria: Invitae Variant Classification Sherloc (09022015). Collection method: clinical testing. Allele origin: germline.
Comment: This sequence change replaces glycine, which is neutral and non-polar, with aspartic acid, which is acidic and polar, at codon 274 of the SLC25A32 protein (p.Gly274Asp). This variant is not present in population databases (gnomAD no frequency). This variant has not been reported in the literature in individuals affected with SLC25A32-related conditions. Invitae Evidence Modeling of protein sequence and biophysical properties (such as structural, functional, and spatial information, amino acid conservation, physicochemical variation, residue mobility, and thermodynamic stability) indicates that this missense variant is expected to disrupt SLC25A32 protein function with a positive predictive value of 80%. In summary, the available evidence is currently insufficient to determine the role of this variant in disease. Therefore, it has been classified as a Variant of Uncertain Significance.

NM_030780.5(SLC25A32):c.821G>A (p.Gly274Asp)

Gene: SLC25A32 (solute carrier family 25 member 32; minus strand). Cytogenetic location: 8q22.3.
Variant type: single nucleotide variant.
Coding change: c.821G>A on transcript NM_030780.5 (MANE Select); coding-DNA position 821, G replaced by A.
Protein change: p.Gly274Asp; replaces glycine 274 with aspartic acid.
Molecular consequence: missense variant. On other transcripts: non-coding transcript variant (2).
Genome position (GRCh38, 1-based): chr8:103,400,538, C>T on the plus strand (G>A on the coding strand, the complement: SLC25A32 is on the minus strand). VCF-style: chr8-103400538-C-T. GRCh37 (hg19) VCF-style: chr8-104412766-C-T.
Other names: short protein forms G274D.
Identifiers: ClinVar variation 4741872 (VCV004741872.1).